The following is an entry in ClinVar:

NM_004068.4(AP2M1):c.286A>G (p.Ile96Val)

Gene: AP2M1 (adaptor related protein complex 2 subunit mu 1; plus strand). Cytogenetic location: 3q27.1.
Variant type: single nucleotide variant.
Coding change: c.286A>G on transcript NM_004068.4 (MANE Select); coding-DNA position 286, A replaced by G.
Protein change: p.Ile96Val; replaces isoleucine 96 with valine.
Molecular consequence: missense variant.
Genome position (GRCh38, 1-based): chr3:184,179,068, A>G. VCF-style: chr3-184179068-A-G. GRCh37 (hg19) VCF-style: chr3-183896856-A-G.
Other names: c.286A>G, p.Ile96Val (NM_001025205.2); c.361A>G, p.Ile121Val (NM_001311198.2); short protein forms I96V, I121V.
Identifiers: ClinVar variation 2822611 (VCV002822611.3), dbSNP rs2473719648, ClinGen allele CA355421067.

ClinVar aggregate classification (germline): Uncertain significance (1 of 4 stars; one submission).

Submission:

Labcorp Genetics (formerly Invitae), Labcorp
Classification: Uncertain significance. Last evaluated: 2023-08-10. Review status: criteria provided, single submitter. Criteria: Invitae Variant Classification Sherloc (09022015). Collection method: clinical testing. Allele origin: germline.
Comment: In summary, the available evidence is currently insufficient to determine the role of this variant in disease. Therefore, it has been classified as a Variant of Uncertain Significance. Algorithms developed to predict the effect of sequence changes on RNA splicing suggest that this variant may create or strengthen a splice site. An algorithm developed to predict the effect of missense changes on protein structure and function (PolyPhen-2) suggests that this variant is likely to be tolerated. This variant has not been reported in the literature in individuals affected with AP2M1-related conditions. This variant is not present in population databases (gnomAD no frequency). This sequence change replaces isoleucine, which is neutral and non-polar, with valine, which is neutral and non-polar, at codon 96 of the AP2M1 protein (p.Ile96Val).